The following is an entry in ClinVar:

NM_012463.4(ATP6V0A2):c.1452C>T (p.Asn484=)

Gene: ATP6V0A2 (ATPase H+ transporting V0 subunit a2; plus strand). Cytogenetic location: 12q24.31.
Variant type: single nucleotide variant.
Coding change: c.1452C>T on transcript NM_012463.4 (MANE Select); coding-DNA position 1452, C replaced by T.
Protein change: p.Asn484=; no amino-acid change (asparagine 484 retained).
Molecular consequence: synonymous variant.
Genome position (GRCh38, 1-based): chr12:123,744,722, C>T. VCF-style: chr12-123744722-C-T. GRCh37 (hg19) VCF-style: chr12-124229269-C-T.
Identifiers: ClinVar variation 385632 (VCV000385632.6), dbSNP rs567406924, ClinGen allele CA16606391.

ClinVar aggregate classification (germline): Likely benign. Review status: criteria provided, multiple submitters, no conflicts (2 of 4 stars). 2 submissions from 2 submitters: Likely benign (2). Last evaluated 2022-11-10.

Conditions:
ALG9 congenital disorder of glycosylation (CDG1L). Also called: ALG9-CDG; CONGENITAL DISORDER OF GLYCOSYLATION, TYPE Il; CDG Il. Identifiers: Orphanet 79328, MedGen C2931006, MONDO:0012117, OMIM 608776.

Allele frequency attached by ClinVar (database versions not stated): TOPMed below 0.00001; gnomAD 0.00001; gnomAD exomes 0.00001; 1000 Genomes Project 30x 0.00016; 1000 Genomes Project 0.00020.
gnomAD v4.1: 20 of 1,614,134 alleles (0.0012%); highest among the groups gnomAD compares: Middle Eastern, 0.017%; no homozygotes.

Submissions (2):

Labcorp Genetics (formerly Invitae), Labcorp
Classification: Likely benign for ALG9 congenital disorder of glycosylation. Last evaluated: 2022-11-10. Review status: criteria provided, single submitter. Criteria: Invitae Variant Classification Sherloc (09022015). Collection method: clinical testing. Allele origin: germline.

GeneDx
Classification: Likely benign. Last evaluated: 2017-04-18. Review status: criteria provided, single submitter. Criteria: GeneDx Variant Classification (06012015). Collection method: clinical testing. Allele origin: germline. Affected: yes.
Comment: This variant is considered likely benign or benign based on one or more of the following criteria: it is a conservative change, it occurs at a poorly conserved position in the protein, it is predicted to be benign by multiple in silico algorithms, and/or has population frequency not consistent with disease.